The following is an entry in ClinVar:

ClinVar aggregate classification (germline): Uncertain significance (1 of 4 stars; one submission).

Conditions:
Telangiectasia, hereditary hemorrhagic, type 5 (HHT5). Identifiers: Orphanet 774, MedGen C3809710, MONDO:0014217, OMIM 615506.

Submission:

Labcorp Genetics (formerly Invitae), Labcorp
Classification: Uncertain significance for Telangiectasia, hereditary hemorrhagic, type 5. Last evaluated: 2024-03-27. Review status: criteria provided, single submitter. Criteria: Invitae Variant Classification Sherloc (09022015). Collection method: clinical testing. Allele origin: germline.
Comment: This sequence change replaces threonine, which is neutral and polar, with alanine, which is neutral and non-polar, at codon 313 of the GDF2 protein (p.Thr313Ala). This variant is not present in population databases (gnomAD no frequency). This variant has not been reported in the literature in individuals affected with GDF2-related conditions. An algorithm developed to predict the effect of missense changes on protein structure and function (PolyPhen-2) suggests that this variant is likely to be tolerated. In summary, the available evidence is currently insufficient to determine the role of this variant in disease. Therefore, it has been classified as a Variant of Uncertain Significance.

NM_016204.4(GDF2):c.937A>G (p.Thr313Ala)

Gene: GDF2 (growth differentiation factor 2; plus strand). Cytogenetic location: 10q11.22.
Variant type: single nucleotide variant.
Coding change: c.937A>G on transcript NM_016204.4 (MANE Select); coding-DNA position 937, A replaced by G.
Protein change: p.Thr313Ala; replaces threonine 313 with alanine.
Molecular consequence: missense variant.
Genome position (GRCh38, 1-based): chr10:47,325,431, A>G. VCF-style: chr10-47325431-A-G. GRCh37 (hg19) VCF-style: chr10-48413931-T-C.
Other names: short protein forms T313A.
Identifiers: ClinVar variation 3628967 (VCV003628967.2).